The following is an entry in ClinVar:

ClinVar aggregate classification (germline): Uncertain significance (1 of 4 stars; one submission).

Conditions:
Marfan syndrome (MFS). Also called: MARFAN SYNDROME, TYPE I; Marfan syndrome type 1; Marfan's syndrome; Marfan syndrome, classic; FBN1-Related Marfan Syndrome. Identifiers: Orphanet 284963, Orphanet 558, MedGen C0024796, MONDO:0007947, OMIM 154700.
Familial thoracic aortic aneurysm and aortic dissection (TAAD). Also called: Thoracic aortic aneurysms and dissections. Identifiers: Orphanet 91387, MedGen C4707243, MONDO:0019625.

Submission:

Labcorp Genetics (formerly Invitae), Labcorp
Classification: Uncertain significance for Marfan syndrome; Familial thoracic aortic aneurysm and aortic dissection. Last evaluated: 2023-12-17. Review status: criteria provided, single submitter. Criteria: Invitae Variant Classification Sherloc (09022015). Collection method: clinical testing. Allele origin: germline.
Comment: This sequence change replaces histidine, which is basic and polar, with tyrosine, which is neutral and polar, at codon 144 of the FBN1 protein (p.His144Tyr). This variant is not present in population databases (gnomAD no frequency). This variant has not been reported in the literature in individuals affected with FBN1-related conditions. Advanced modeling of protein sequence and biophysical properties (such as structural, functional, and spatial information, amino acid conservation, physicochemical variation, residue mobility, and thermodynamic stability) performed at Invitae indicates that this missense variant is not expected to disrupt FBN1 protein function with a negative predictive value of 95%. In summary, the available evidence is currently insufficient to determine the role of this variant in disease. Therefore, it has been classified as a Variant of Uncertain Significance.

NM_000138.5(FBN1):c.430C>T (p.His144Tyr)

Gene: FBN1 (fibrillin 1; minus strand). Cytogenetic location: 15q21.1.
Variant type: single nucleotide variant.
Coding change: c.430C>T on transcript NM_000138.5 (MANE Select); coding-DNA position 430, C replaced by T.
Protein change: p.His144Tyr; replaces histidine 144 with tyrosine.
Molecular consequence: missense variant.
Genome position (GRCh38, 1-based): chr15:48,600,151, G>A on the plus strand (C>T on the coding strand, the complement: FBN1 is on the minus strand). VCF-style: chr15-48600151-G-A. GRCh37 (hg19) VCF-style: chr15-48892348-G-A.
Other names: c.430C>T, p.His144Tyr (NM_001406716.1, NM_001406717.1); short protein forms H144Y.
Identifiers: ClinVar variation 2933632 (VCV002933632.3), dbSNP rs769476277, ClinGen allele CA270052150.
Genomic context (GRCh38, chr15:48,600,151, plus strand): 5'-CTACAAACAGGTTAACATCTAGAATACTTATAACTACAGTGTACTTACGTTGTCCACAGT[G>A]AGTCCCTATGTATCCTTTCTGGCATAGACAGTGATCGTCACTGCAGCTACCTCCATTCAT-3'
Protein context (NP_000129.3, residues 134-154): CLCQKGYIGT[His144Tyr]CGQPVCESGC